The following is an entry in ClinVar:

NM_145698.5(ACBD5):c.434C>G (p.Pro145Arg)

Gene: ACBD5 (acyl-CoA binding domain containing 5; minus strand). Cytogenetic location: 10p12.1.
Variant type: single nucleotide variant.
Coding change: c.434C>G on transcript NM_145698.5 (MANE Select); coding-DNA position 434, C replaced by G.
Protein change: p.Pro145Arg; replaces proline 145 with arginine.
Molecular consequence: missense variant.
Genome position (GRCh38, 1-based): chr10:27,223,394, G>C on the plus strand (C>G on the coding strand, the complement: ACBD5 is on the minus strand). VCF-style: chr10-27223394-G-C. GRCh37 (hg19) VCF-style: chr10-27512323-G-C.
Other names: c.329C>G, p.Pro110Arg (NM_001352582.2, NM_001042473.4, NM_001352574.2 and 6 more transcripts); c.107C>G, p.Pro36Arg (NM_001352583.1, NM_001352584.1, NM_001352585.1 and 4 more transcripts); c.428C>G, p.Pro143Arg (NM_001352586.1, NM_001352587.1, NM_001271512.3 and 1 more transcripts); c.434C>G, p.Pro145Arg (NM_001352588.1, NM_001352569.1, NM_001352570.1 and 2 more transcripts); c.455C>G, p.Pro152Arg (NM_001352568.1, NM_001352572.1); short protein forms P145R, P152R, P110R, P143R, P36R.
Identifiers: ClinVar variation 1436870 (VCV001436870.8), dbSNP rs2137643905, ClinGen allele CA376376730.

ClinVar aggregate classification (germline): Uncertain significance (1 of 4 stars; one submission).

Allele frequency attached by ClinVar (database versions not stated): gnomAD exomes below 0.00001.
gnomAD v4.1: 1 of 1,613,834 alleles (0.000062%); highest among the groups gnomAD compares: Non-Finnish European, 0.000085%; no homozygotes.

Submission:

Labcorp Genetics (formerly Invitae), Labcorp
Classification: Uncertain significance. Last evaluated: 2021-07-04. Review status: criteria provided, single submitter. Criteria: Invitae Variant Classification Sherloc (09022015). Collection method: clinical testing. Allele origin: germline.
Comment: This sequence change replaces proline with arginine at codon 145 of the ACBD5 protein (p.Pro145Arg). The proline residue is moderately conserved and there is a moderate physicochemical difference between proline and arginine. This variant is not present in population databases (ExAC no frequency). This variant has not been reported in the literature in individuals affected with ACBD5-related conditions. Algorithms developed to predict the effect of missense changes on protein structure and function are either unavailable or do not agree on the potential impact of this missense change (SIFT: "Deleterious"; PolyPhen-2: "Probably Damaging"; Align-GVGD: "Class C0"). In summary, the available evidence is currently insufficient to determine the role of this variant in disease. Therefore, it has been classified as a Variant of Uncertain Significance.